The following is an entry in ClinVar:

NM_153717.3(EVC):c.2824G>T (p.Glu942Ter)

Gene: EVC (EvC ciliary complex subunit 1; plus strand). Cytogenetic location: 4p16.2.
Variant type: single nucleotide variant.
Coding change: c.2824G>T on transcript NM_153717.3 (MANE Select); coding-DNA position 2824, G replaced by T.
Protein change: p.Glu942Ter; replaces glutamic acid 942 with a stop codon.
Molecular consequence: nonsense.
Genome position (GRCh38, 1-based): chr4:5,810,380, G>T. VCF-style: chr4-5810380-G-T. GRCh37 (hg19) VCF-style: chr4-5812107-G-T.
Other names: c.2824G>T, p.Glu942Ter (NM_001306090.2); short protein forms E942*.
Identifiers: ClinVar variation 5003727 (VCV005003727.1).

ClinVar aggregate classification (germline): Pathogenic (1 of 4 stars; one submission).

Conditions:
Ellis-van Creveld syndrome (EVC). Also called: Chondroectodermal dysplasia; MESOECTODERMAL DYSPLASIA. Identifiers: Orphanet 289, MedGen C0013903, MONDO:0009162, OMIM 225500.

gnomAD v4.1: 1 of 1,613,910 alleles (0.000062%); highest among the groups gnomAD compares: Admixed American, 0.0017%; no homozygotes.

Submission:

Myriad Genetics, Inc.
Classification: Pathogenic for Ellis-van Creveld syndrome. Last evaluated: 2025-10-28. Review status: criteria provided, single submitter. Criteria: Myriad Autosomal Dominant, Autosomal Recessive and X-Linked Classification Criteria (2023). Collection method: clinical testing. Allele origin: unknown.
Comment: NM_153717.2(EVC):c.2824G>T(E942*) is a nonsense variant classified as pathogenic in the context of EVC-related Ellis-van Creveld syndrome. E942* has not been observed in cases with relevant disease. Relevant functional assessments of this variant are not available in the literature. E942* has not been observed in referenced population frequency databases. In summary, NM_153717.2(EVC):c.2824G>T(E942*) is a nonsense variant in a gene where loss of function is a known mechanism of disease and is predicted to disrupt protein function. Please note: this variant was assessed in the context of healthy population screening.